The following is an entry in ClinVar:

NM_020821.3(VPS13C):c.10508G>A (p.Arg3503Lys)

Gene: VPS13C (vacuolar protein sorting 13 homolog C; minus strand). Cytogenetic location: 15q22.2.
Variant type: single nucleotide variant.
Coding change: c.10508G>A on transcript NM_020821.3 (MANE Select); coding-DNA position 10508, G replaced by A.
Protein change: p.Arg3503Lys; replaces arginine 3503 with lysine.
Molecular consequence: missense variant.
Genome position (GRCh38, 1-based): chr15:61,873,316, C>T on the plus strand (G>A on the coding strand, the complement: VPS13C is on the minus strand). VCF-style: chr15-61873316-C-T. GRCh37 (hg19) VCF-style: chr15-62165515-C-T.
Other names: c.10508G>A, p.Arg3503Lys (NM_001018088.3); c.10379G>A, p.Arg3460Lys (NM_017684.5, NM_018080.4); short protein forms R3503K, R3460K.
Identifiers: ClinVar variation 2051775 (VCV002051775.4), dbSNP rs1248044969, ClinGen allele CA392669890.

ClinVar aggregate classification (germline): Uncertain significance (1 of 4 stars; one submission).

Allele frequency attached by ClinVar (database versions not stated): gnomAD exomes below 0.00001; TOPMed 0.00001.
gnomAD v4.1: 5 of 1,613,776 alleles (0.00031%); highest among the groups gnomAD compares: Admixed American, 0.005%; no homozygotes.

Submission:

Labcorp Genetics (formerly Invitae), Labcorp
Classification: Uncertain significance. Last evaluated: 2022-03-28. Review status: criteria provided, single submitter. Criteria: Invitae Variant Classification Sherloc (09022015). Collection method: clinical testing. Allele origin: germline.
Comment: In summary, the available evidence is currently insufficient to determine the role of this variant in disease. Therefore, it has been classified as a Variant of Uncertain Significance. Algorithms developed to predict the effect of missense changes on protein structure and function are either unavailable or do not agree on the potential impact of this missense change (SIFT: "Tolerated"; PolyPhen-2: "Possibly Damaging"; Align-GVGD: "Class C0"). This variant has not been reported in the literature in individuals affected with VPS13C-related conditions. This variant is present in population databases (no rsID available, gnomAD 0.006%). This sequence change replaces arginine, which is basic and polar, with lysine, which is basic and polar, at codon 3503 of the VPS13C protein (p.Arg3503Lys).